The following is an entry in ClinVar:

ClinVar aggregate classification (germline): Likely pathogenic (1 of 4 stars; one submission).

Conditions:
Meier-Gorlin syndrome 4 (MGORS4). Identifiers: Orphanet 2554, MedGen C3151120, MONDO:0013431, OMIM 613804.

Submission:

Laboratorio de Genetica e Diagnostico Molecular, Hospital Israelita Albert Einstein
Classification: Likely pathogenic for Meier-Gorlin syndrome 4. Last evaluated: 2022-10-19. Review status: criteria provided, single submitter. Criteria: ACMG Guidelines, 2015. Collection method: clinical testing. Allele origin: germline. Affected: yes.
Comment: ACMG classification criteria: PVS1 very strong, PM2 moderated

NM_030928.4(CDT1):c.652A>T (p.Lys218Ter)

Gene: CDT1 (chromatin licensing and DNA replication factor 1; plus strand). Cytogenetic location: 16q24.3.
Variant type: single nucleotide variant.
Coding change: c.652A>T on transcript NM_030928.4 (MANE Select); coding-DNA position 652, A replaced by T.
Protein change: p.Lys218Ter; replaces lysine 218 with a stop codon.
Molecular consequence: nonsense.
Genome position (GRCh38, 1-based): chr16:88,805,603, A>T. VCF-style: chr16-88805603-A-T. GRCh37 (hg19) VCF-style: chr16-88872011-A-T.
Other names: short protein forms K218*.
Identifiers: ClinVar variation 2431870 (VCV002431870.2), dbSNP rs1409329871, ClinGen allele CA397075246.